The following is an entry in ClinVar:

ClinVar aggregate classification (germline): Uncertain significance (1 of 4 stars; one submission).

Allele frequency attached by ClinVar (database versions not stated): gnomAD 0.00001; TOPMed 0.00001.
gnomAD v4.1: 16 of 1,614,036 alleles (0.00099%); highest among the groups gnomAD compares: African/African-American, 0.0013%; no homozygotes.

Submission:

Labcorp Genetics (formerly Invitae), Labcorp
Classification: Uncertain significance. Last evaluated: 2022-07-01. Review status: criteria provided, single submitter. Criteria: Invitae Variant Classification Sherloc (09022015). Collection method: clinical testing. Allele origin: germline.
Comment: This sequence change replaces glycine, which is neutral and non-polar, with alanine, which is neutral and non-polar, at codon 540 of the HPS1 protein (p.Gly540Ala). This variant is not present in population databases (gnomAD no frequency). This variant has not been reported in the literature in individuals affected with HPS1-related conditions. Algorithms developed to predict the effect of missense changes on protein structure and function are either unavailable or do not agree on the potential impact of this missense change (SIFT: "Deleterious"; PolyPhen-2: "Probably Damaging"; Align-GVGD: "Class C0"). In summary, the available evidence is currently insufficient to determine the role of this variant in disease. Therefore, it has been classified as a Variant of Uncertain Significance.

NM_000195.5(HPS1):c.1619G>C (p.Gly540Ala)

Gene: HPS1 (HPS1 biogenesis of lysosomal organelles complex 3 subunit 1; minus strand). Cytogenetic location: 10q24.2.
Variant type: single nucleotide variant.
Coding change: c.1619G>C on transcript NM_000195.5 (MANE Select); coding-DNA position 1619, G replaced by C.
Protein change: p.Gly540Ala; replaces glycine 540 with alanine.
Molecular consequence: missense variant.
Genome position (GRCh38, 1-based): chr10:98,422,493, C>G on the plus strand (G>C on the coding strand, the complement: HPS1 is on the minus strand). VCF-style: chr10-98422493-C-G. GRCh37 (hg19) VCF-style: chr10-100182250-C-G.
Other names: c.647G>C, p.Gly216Ala (NM_001311345.2, NM_001322487.2, NM_001322489.2); c.1619G>C, p.Gly540Ala (NM_001322476.2, NM_001322477.2); c.1520G>C, p.Gly507Ala (NM_001322478.2, NM_001322479.2); c.1358G>C, p.Gly453Ala (NM_001322480.2, NM_001322481.2); c.1259G>C, p.Gly420Ala (NM_001322482.2); c.1250G>C, p.Gly417Ala (NM_001322483.2, NM_001322484.2); c.1151G>C, p.Gly384Ala (NM_001322485.2); short protein forms G417A, G420A, G216A, G384A, G540A, G453A, G507A.
Identifiers: ClinVar variation 2148540 (VCV002148540.1), dbSNP rs1025739788, ClinGen allele CA212760844.